The following is an entry in ClinVar:

ClinVar aggregate classification (germline): Uncertain significance (0 of 4 stars; one submission).

Conditions:
NRXN3-related disorder. Also called: NRXN3-related condition.

Submission:

PreventionGenetics, part of Exact Sciences
Classification: Uncertain significance for NRXN3-related condition. Last evaluated: 2024-01-18. Review status: no assertion criteria provided. Collection method: clinical testing. Allele origin: germline.
Comment: The NRXN3 c.2461G>A variant is predicted to result in the amino acid substitution p.Val821Met. To our knowledge, this variant has not been reported in the literature or in a large population database, indicating this variant is rare. At this time, the clinical significance of this variant is uncertain due to the absence of conclusive functional and genetic evidence.

NM_001330195.2(NRXN3):c.3580G>A (p.Val1194Met)

Gene: NRXN3 (neurexin 3; plus strand). Cytogenetic location: 14q31.1.
Variant type: single nucleotide variant.
Coding change: c.3580G>A on transcript NM_001330195.2 (MANE Select); coding-DNA position 3580, G replaced by A.
Protein change: p.Val1194Met; replaces valine 1194 with methionine.
Molecular consequence: missense variant. On other transcripts: non-coding transcript variant (5).
Genome position (GRCh38, 1-based): chr14:79,663,913, G>A. VCF-style: chr14-79663913-G-A. GRCh37 (hg19) VCF-style: chr14-80130256-G-A.
Other names: c.565G>A, p.Val189Met (NM_001105250.3, NM_001272020.2, NM_138970.5); c.3580G>A, p.Val1194Met (NM_001366425.1); c.3592G>A, p.Val1198Met (NM_001366426.1); c.2461G>A, p.Val821Met (NM_004796.6); short protein forms V1194M, V1198M, V189M, V821M.
Identifiers: ClinVar variation 3033507 (VCV003033507.2), dbSNP rs2503399052, ClinGen allele CA390761845.